The following is an entry in ClinVar:

ClinVar aggregate classification (germline): Likely pathogenic (1 of 4 stars; one submission).

Conditions:
Marfan syndrome (MFS). Also called: MARFAN SYNDROME, TYPE I; Marfan syndrome type 1; Marfan's syndrome; Marfan syndrome, classic; FBN1-Related Marfan Syndrome. Identifiers: Orphanet 284963, Orphanet 558, MedGen C0024796, MONDO:0007947, OMIM 154700.

Submission:

Clinical and Biomedical Sciences, University of Exeter
Classification: Likely pathogenic for Marfan syndrome. Last evaluated: 2025-02-28. Review status: criteria provided, single submitter. Criteria: ACMG Guidelines, 2015. Collection method: research. Allele origin: germline. Affected: yes. Study: 100,000 Genomes Project.
Comment: Predicts a 96bp pseudoexon that contains stop codon and this is supported by single read in blood RNAseq data and by RT-PCR and Sanger analysis which shows r.6871_6872ins96 p.(Asp2291ValfsTer9).

NM_000138.5(FBN1):c.6872-955C>G

Gene: FBN1 (fibrillin 1; minus strand). Cytogenetic location: 15q21.1.
Variant type: single nucleotide variant.
Coding change: c.6872-955C>G on transcript NM_000138.5 (MANE Select); 955 bases into the intron before coding-DNA position 6872, C replaced by G.
Molecular consequence: intron variant.
Genome position (GRCh38, 1-based): chr15:48,429,426, G>C on the plus strand (C>G on the coding strand, the complement: FBN1 is on the minus strand). VCF-style: chr15-48429426-G-C. GRCh37 (hg19) VCF-style: chr15-48721623-G-C.
Other names: c.6872-955C>G (NM_001406716.1).
Identifiers: ClinVar variation 3769619 (VCV003769619.1).